The following is an entry in ClinVar:

ClinVar aggregate classification (germline): Pathogenic (1 of 4 stars; one submission).

Conditions:
Hereditary nonpolyposis colorectal neoplasms. Identifiers: MedGen C0009405, MeSH D003123.

Submission:

Labcorp Genetics (formerly Invitae), Labcorp
Classification: Pathogenic for Hereditary nonpolyposis colorectal neoplasms. Last evaluated: 2018-12-27. Review status: criteria provided, single submitter. Criteria: Invitae Variant Classification Sherloc (09022015). Collection method: clinical testing. Allele origin: germline.
Comment: This sequence change results in a premature translational stop signal in the MSH6 gene (p.Asp1277Alafs*49). While this is not anticipated to result in nonsense mediated decay, it is expected to disrupt the last 84 amino acids of the MSH6 protein. This variant is not present in population databases (ExAC no frequency). This variant has not been reported in the literature in individuals with MSH6-related conditions. This variant disrupts the C-terminus of the MSH6 protein. Other variant(s) that disrupt this region (p.Ala1320Glufs*6) have been determined to be pathogenic (PMID: 21155762, 24323032). This suggests that variants that disrupt this region of the protein are likely to be causative of disease. For these reasons, this variant has been classified as Pathogenic.

Literature cited by the submitters: PubMed 21155762; PubMed 24323032.

NM_000179.3(MSH6):c.3830_3833del (p.Asp1277fs)

Gene: MSH6 (mutS homolog 6; plus strand). Cytogenetic location: 2p16.3.
Variant type: Deletion.
Coding change: c.3830_3833del on transcript NM_000179.3 (MANE Select); coding-DNA positions 3830 to 3833, 4 bases deleted (ACCC; older notation c.3830_3833delACCC).
Protein change: p.Asp1277fs; shifts the reading frame from aspartic acid 1277.
Molecular consequence: frameshift variant.
Genome position (GRCh38, 1-based): chr2:47,806,480-47,806,483, ACCC deleted. VCF-style (leftmost placement, unchanged base first): chr2-47806479-GACCC-G. GRCh37 (hg19) VCF-style: chr2-48033618-GACCC-G.
Other names: c.3440_3443del, p.Asp1147fs (NM_001281492.2); c.2924_2927del, p.Asp975fs (NM_001281493.2, NM_001281494.2); short protein forms D1277fs, D975fs, D1147fs.
Identifiers: ClinVar variation 655480 (VCV000655480.9), dbSNP rs1572746365, ClinGen allele CA915943977.
Genomic context (GRCh38, chr2:47,806,479, plus strand): 5'-GCACATGTATCGCTAATATTTTTCTTTCTTAAGGCATGCATGGTAGAAAATGAATGTGAA[GACCC>G]CAGCCAGGAGACTATTACGTTCCTCTATAAATTCATTAAGGGAGCTTGTCCTAAAAGCTA-3'